The following is an entry in ClinVar:

ClinVar aggregate classification (germline): Pathogenic. Review status: criteria provided, multiple submitters, no conflicts (2 of 4 stars). 4 submissions from 4 submitters: Pathogenic (4). Last evaluated 2026-01-09.

Conditions:
Hereditary nonpolyposis colorectal neoplasms. Identifiers: MedGen C0009405, MeSH D003123.
Hereditary cancer-predisposing syndrome. Also called: Tumor predisposition; Hereditary neoplastic syndrome; Neoplastic Syndromes, Hereditary; Hereditary Cancer Syndrome. Identifiers: Orphanet 140162, MedGen C0027672, MeSH D009386, MONDO:0015356.
Lynch syndrome 5 (LYNCH5). Also called: Colorectal cancer, hereditary nonpolyposis, type 5; Hereditary non-polyposis colorectal cancer, type 5. Identifiers: Orphanet 144, MedGen C1833477, MONDO:0013710, OMIM 614350. Disease mechanism: loss of function.

Submissions (4):

Labcorp Genetics (formerly Invitae), Labcorp
Classification: Pathogenic for Hereditary nonpolyposis colorectal neoplasms. Last evaluated: 2026-01-09. Review status: criteria provided, single submitter. Criteria: Invitae Variant Classification Sherloc (09022015). Collection method: clinical testing. Allele origin: germline.
Comment: This sequence change creates a premature translational stop signal (p.Lys923*) in the MSH6 gene. It is expected to result in an absent or disrupted protein product. Loss-of-function variants in MSH6 are known to be pathogenic (PMID: 18269114, 24362816). This variant is not present in population databases (gnomAD no frequency). This variant has not been reported in the literature in individuals affected with MSH6-related conditions. ClinVar contains an entry for this variant (Variation ID: 2673687). For these reasons, this variant has been classified as Pathogenic.

Color Diagnostics, LLC DBA Color Health
Classification: Pathogenic for Hereditary cancer-predisposing syndrome. Last evaluated: 2025-06-24. Review status: criteria provided, single submitter. Criteria: ACMG Guidelines, 2015. Collection method: clinical testing. Allele origin: germline.
Comment: This variant changes 1 nucleotide in exon 4 of the MSH6 gene, creating a premature translation stop signal. This variant is expected to result in an absent or non-functional protein product. To our knowledge, this variant has not been reported in individuals affected with MSH6-related disorders in the literature. This variant has not been identified in the general population by the Genome Aggregation Database (gnomAD). Loss of MSH6 function is a known mechanism of disease. Based on the available evidence, this variant is classified as Pathogenic.

Ambry Genetics
Classification: Pathogenic for Hereditary cancer-predisposing syndrome. Last evaluated: 2023-10-12. Review status: criteria provided, single submitter. Criteria: Ambry Variant Classification Scheme 2023. Collection method: clinical testing. Allele origin: germline.
Comment: The p.K923* pathogenic mutation (also known as c.2767A>T), located in coding exon 4 of the MSH6 gene, results from an A to T substitution at nucleotide position 2767. This changes the amino acid from a lysine to a stop codon within coding exon 4. This variant is considered to be rare based on population cohorts in the Genome Aggregation Database (gnomAD). This alteration is expected to result in loss of function by premature protein truncation or nonsense-mediated mRNA decay. As such, this alteration is interpreted as a disease-causing mutation.

Myriad Genetics, Inc.
Classification: Pathogenic for Lynch syndrome 5. Last evaluated: 2023-08-18. Review status: criteria provided, single submitter. Criteria: Myriad Autosomal Dominant, Autosomal Recessive and X-Linked Classification Criteria (2023). Collection method: clinical testing. Allele origin: unknown.
Comment: This variant is considered pathogenic. This variant creates a termination codon and is predicted to result in premature protein truncation.

Literature cited by the submitters: PubMed 18269114 (cited by Labcorp Genetics (formerly Invitae), Labcorp); PubMed 24362816 (cited by Labcorp Genetics (formerly Invitae), Labcorp).

NM_000179.3(MSH6):c.2767A>T (p.Lys923Ter)

Gene: MSH6 (mutS homolog 6; plus strand). Cytogenetic location: 2p16.3.
Variant type: single nucleotide variant.
Coding change: c.2767A>T on transcript NM_000179.3 (MANE Select); coding-DNA position 2767, A replaced by T.
Protein change: p.Lys923Ter; replaces lysine 923 with a stop codon.
Molecular consequence: nonsense. On other transcripts: non-coding transcript variant (5), intron variant (2).
Genome position (GRCh38, 1-based): chr2:47,800,750, A>T. VCF-style: chr2-47800750-A-T. GRCh37 (hg19) VCF-style: chr2-48027889-A-T.
Other names: c.2599A>T, p.Lys867Ter (NM_001406826.1); c.2470A>T, p.Lys824Ter (NM_001406827.1, NM_001406828.1, NM_001406830.1 and 10 more transcripts); c.712A>T, p.Lys238Ter (NM_001407362.1); c.1861A>T, p.Lys621Ter (NM_001406829.1, NM_001281493.2, NM_001281494.2 and 6 more transcripts); c.2377A>T, p.Lys793Ter (NM_001281492.2); c.2863A>T, p.Lys955Ter (NM_001406795.1, NM_001406802.1); c.2767A>T, p.Lys923Ter (NM_001406796.1, NM_001406798.1, NM_001406800.1 and 2 more transcripts); c.2242A>T, p.Lys748Ter (NM_001406799.1, NM_001406806.1, NM_001406807.1); and 4 more; short protein forms K238*, K621*, K748*, K793*, K824*, K867*, K897*, K923*.
Identifiers: ClinVar variation 2673687 (VCV002673687.4), dbSNP rs1558666660, ClinGen allele CA346755452.